The following is an entry in ClinVar:

NM_000089.4(COL1A2):c.485A>T (p.Gln162Leu)

Gene: COL1A2 (collagen type I alpha 2 chain; plus strand). Cytogenetic location: 7q21.3.
Variant type: single nucleotide variant.
Coding change: c.485A>T on transcript NM_000089.4 (MANE Select); coding-DNA position 485, A replaced by T.
Protein change: p.Gln162Leu; replaces glutamine 162 with leucine.
Molecular consequence: missense variant.
Genome position (GRCh38, 1-based): chr7:94,405,251, A>T. VCF-style: chr7-94405251-A-T. GRCh37 (hg19) VCF-style: chr7-94034563-A-T.
Other names: short protein forms Q162L.
Identifiers: ClinVar variation 4787858 (VCV004787858.1).

ClinVar aggregate classification (germline): Uncertain significance (1 of 4 stars; one submission).

Conditions:
Ehlers-Danlos syndrome, classic type, 1 (EDSCL1). Also called: EHLERS-DANLOS SYNDROME, GRAVIS TYPE; EHLERS-DANLOS SYNDROME, SEVERE CLASSIC TYPE; Ehlers-Danlos syndrome, type 1; Ehlers-Danlos Syndrome, Classic Type, COL5A1-Related; EDS I. Identifiers: MedGen C0268335, MONDO:0019567, OMIM 130000.
Osteogenesis imperfecta type I (OI1). Also called: OI, TYPE I; OSTEOGENESIS IMPERFECTA TARDA; OSTEOGENESIS IMPERFECTA WITH BLUE SCLERAE; Osteogenesis imperfecta type 1; Lobstein's Disease; Lobstein disease. Identifiers: Orphanet 216796, Orphanet 666, MedGen C0023931, MONDO:0008146, OMIM 166200. Disease mechanism: loss of function.

gnomAD v4.1: 2 of 1,613,884 alleles (0.00012%); highest among the groups gnomAD compares: Non-Finnish European, 0.00017%; no homozygotes.

Submission:

Labcorp Genetics (formerly Invitae), Labcorp
Classification: Uncertain significance for Osteogenesis imperfecta type I; Ehlers-Danlos syndrome, classic type, 1. Last evaluated: 2025-05-22. Review status: criteria provided, single submitter. Criteria: Invitae Variant Classification Sherloc (09022015). Collection method: clinical testing. Allele origin: germline.
Comment: This sequence change replaces glutamine, which is neutral and polar, with leucine, which is neutral and non-polar, at codon 162 of the COL1A2 protein (p.Gln162Leu). This variant is present in population databases (no rsID available, gnomAD 0.0009%). This variant has not been reported in the literature in individuals affected with COL1A2-related conditions. Experimental studies and prediction algorithms are not available or were not evaluated, and the functional significance of this variant is currently unknown. In summary, the available evidence is currently insufficient to determine the role of this variant in disease. Therefore, it has been classified as a Variant of Uncertain Significance.